The following is an entry in ClinVar:

NM_016604.4(KDM3B):c.4349A>G (p.Asn1450Ser)

Gene: KDM3B (lysine demethylase 3B; plus strand). Cytogenetic location: 5q31.2.
Variant type: single nucleotide variant.
Coding change: c.4349A>G on transcript NM_016604.4 (MANE Select); coding-DNA position 4349, A replaced by G.
Protein change: p.Asn1450Ser; replaces asparagine 1450 with serine.
Molecular consequence: missense variant.
Genome position (GRCh38, 1-based): chr5:138,425,520, A>G. VCF-style: chr5-138425520-A-G. GRCh37 (hg19) VCF-style: chr5-137761209-A-G.
Other names: short protein forms N1450S.
Identifiers: ClinVar variation 2827924 (VCV002827924.3), dbSNP rs1226418222, ClinGen allele CA361092916.

ClinVar aggregate classification (germline): Uncertain significance (1 of 4 stars; one submission).

Allele frequency attached by ClinVar (database versions not stated): gnomAD exomes below 0.00001.
gnomAD v4.1: 1 of 1,614,136 alleles (0.000062%); highest among the groups gnomAD compares: Admixed American, 0.0017%; no homozygotes.

Submission:

Labcorp Genetics (formerly Invitae), Labcorp
Classification: Uncertain significance. Last evaluated: 2023-01-12. Review status: criteria provided, single submitter. Criteria: Invitae Variant Classification Sherloc (09022015). Collection method: clinical testing. Allele origin: germline.
Comment: This sequence change replaces asparagine, which is neutral and polar, with serine, which is neutral and polar, at codon 1450 of the KDM3B protein (p.Asn1450Ser). This variant is present in population databases (no rsID available, gnomAD 0.003%). This variant has not been reported in the literature in individuals affected with KDM3B-related conditions. Advanced modeling of protein sequence and biophysical properties (such as structural, functional, and spatial information, amino acid conservation, physicochemical variation, residue mobility, and thermodynamic stability) performed at Invitae indicates that this missense variant is not expected to disrupt KDM3B protein function. In summary, the available evidence is currently insufficient to determine the role of this variant in disease. Therefore, it has been classified as a Variant of Uncertain Significance.